The following is an entry in ClinVar:

NM_000051.4(ATM):c.2838+6T>A

Gene: ATM (ATM serine/threonine kinase; plus strand). Cytogenetic location: 11q22.3.
Variant type: single nucleotide variant.
Coding change: c.2838+6T>A on transcript NM_000051.4 (MANE Select); 6 bases into the intron after coding-DNA position 2838, T replaced by A.
Molecular consequence: intron variant.
Genome position (GRCh38, 1-based): chr11:108,268,615, T>A. VCF-style: chr11-108268615-T-A. GRCh37 (hg19) VCF-style: chr11-108139342-T-A.
Other names: c.2838+6T>A (NM_001351834.2).
Identifiers: ClinVar variation 4715004 (VCV004715004.1).
Genomic context (GRCh38, chr11:108,268,615, plus strand): 5'-AATGTTAATTGATTCTAGCACGCTAGAACCTACCAAATCCCTCCACCTGCATATGGTGAG[T>A]TACGTTAAATGAAGAAGCTCTTGGATTTTATCTGATGTTGCTGACTAAATGTAATGAGTT-3'

ClinVar aggregate classification (germline): Uncertain significance (1 of 4 stars; one submission).

Conditions:
Ataxia-telangiectasia syndrome (AT). Also called: AT, COMPLEMENTATION GROUP C; Ataxia-telangiectasia, complementation group D; Cerebello-oculocutaneous telangiectasia; Immunodeficiency with ataxia telangiectasia; LOUIS-BAR SYNDROME; Ataxia telangiectasia (A-T). Identifiers: Orphanet 100, MedGen C0004135, MONDO:0008840, OMIM 208900.

gnomAD v4.1: 1 of 1,613,182 alleles (0.000062%); highest among the groups gnomAD compares: East Asian, 0.0022%; no homozygotes.

Submission:

Labcorp Genetics (formerly Invitae), Labcorp
Classification: Uncertain significance for Ataxia-telangiectasia syndrome. Last evaluated: 2025-03-12. Review status: criteria provided, single submitter. Criteria: Invitae Variant Classification Sherloc (09022015). Collection method: clinical testing. Allele origin: germline.
Comment: This sequence change falls in intron 18 of the ATM gene. It does not directly change the encoded amino acid sequence of the ATM protein. It affects a nucleotide within the consensus splice site. This variant is not present in population databases (gnomAD no frequency). This variant has not been reported in the literature in individuals affected with ATM-related conditions. Variants that disrupt the consensus splice site are a relatively common cause of aberrant splicing (PMID: 17576681, 9536098). Algorithms developed to predict the effect of sequence changes on RNA splicing suggest that this variant may disrupt the consensus splice site. In summary, the available evidence is currently insufficient to determine the role of this variant in disease. Therefore, it has been classified as a Variant of Uncertain Significance.

Literature cited by the submitters: PubMed 17576681; PubMed 9536098.